The following is an entry in ClinVar:

NM_021942.6(TRAPPC11):c.518_521del (p.Phe173fs)

Gene: TRAPPC11 (trafficking protein particle complex subunit 11; plus strand). Cytogenetic location: 4q35.1.
Variant type: Microsatellite.
Coding change: c.518_521del on transcript NM_021942.6 (MANE Select); coding-DNA positions 518 to 521, 4 bases deleted (TTGT; older notation c.518_521delTTGT).
Protein change: p.Phe173fs; shifts the reading frame from phenylalanine 173.
Molecular consequence: frameshift variant.
Genome position (GRCh38, 1-based): chr4:183,668,075-183,668,078, TTGT deleted; deleting any 4 consecutive bases within chr4:183,668,070-183,668,078 gives the same sequence; the c. name uses the placement nearest the transcript's 3' end. VCF-style (leftmost placement, unchanged base first): chr4-183668069-CTTTG-C. GRCh37 (hg19) VCF-style: chr4-184589222-CTTTG-C.
Other names: c.518_521del, p.Phe173fs (NM_199053.3); c.518_521delTTGT (NM_021942.6); short protein forms F173fs.
Identifiers: ClinVar variation 1033986 (VCV001033986.16), dbSNP rs771717941, ClinGen allele CA3151605.

ClinVar aggregate classification (germline): Pathogenic/Likely pathogenic. Review status: criteria provided, multiple submitters, no conflicts (2 of 4 stars). 6 submissions from 6 submitters: Pathogenic (3); Likely pathogenic (3). Last evaluated 2026-06-08.

Conditions:
Autosomal recessive limb-girdle muscular dystrophy. Identifiers: Orphanet 102015, MedGen C2931907, MONDO:0015152.
Limb-girdle muscular dystrophy (LGMD). Also called: Muscular Dystrophies, Limb-Girdle. Identifiers: Orphanet 263, MedGen C0686353, MeSH D049288, MONDO:0016971, HP:0006785.
Autosomal recessive limb-girdle muscular dystrophy type R18 (LGMDR18). Also called: MUSCULAR DYSTROPHY, LIMB-GIRDLE, AUTOSOMAL RECESSIVE 18; Limb-girdle muscular dystrophy, type 2S; Autosomal recessive limb-girdle muscular dystrophy type 2S. Identifiers: Orphanet 369840, MedGen C4517996, MONDO:0014144, OMIM 615356.

Submissions (6):

Women's Health and Genetics/Laboratory Corporation of America, LabCorp
Classification: Pathogenic for Autosomal recessive limb-girdle muscular dystrophy. Last evaluated: 2026-06-08. Review status: criteria provided, single submitter. Criteria: LabCorp Variant Classification Summary - May 2015. Collection method: clinical testing. Allele origin: germline.
Comment: Variant summary: TRAPPC11 c.518_521delTTGT (p.Phe173TyrfsX13) results in a premature termination codon, predicted to cause a truncation of the encoded protein or absence of the protein due to nonsense mediated decay, which are commonly known mechanisms for disease. The variant allele was found at a frequency of 4e-06 in 251264 control chromosomes. c.518_521delTTGT has been observed in individual(s) affected with TRAPPC11-related conditions (example, Fee_2017). These report(s) do not provide unequivocal conclusions about association of the variant with disease. To our knowledge, no experimental evidence demonstrating an impact on protein function has been reported. The following publication has been ascertained in the context of this evaluation (PMID: 28827486). ClinVar contains an entry for this variant (Variation ID: 1033986). Based on the evidence outlined above, the variant was classified as pathogenic.

Labcorp Genetics (formerly Invitae), Labcorp
Classification: Pathogenic for Autosomal recessive limb-girdle muscular dystrophy type R18. Last evaluated: 2025-11-25. Review status: criteria provided, single submitter. Criteria: Invitae Variant Classification Sherloc (09022015). Collection method: clinical testing. Allele origin: germline.
Comment: This sequence change creates a premature translational stop signal (p.Phe173Tyrfs*13) in the TRAPPC11 gene. It is expected to result in an absent or disrupted protein product. Loss-of-function variants in TRAPPC11 are known to be pathogenic (PMID: 23830518, 26322222). This variant is present in population databases (rs771717941, gnomAD 0.01%). This premature translational stop signal has been observed in individual(s) with clinical featured of limb-girdle muscular dystrophy (PMID: 28827486). For these reasons, this variant has been classified as Pathogenic.

Variantyx, Inc.
Classification: Likely pathogenic for Autosomal recessive limb-girdle muscular dystrophy type R18. Last evaluated: 2025-10-17. Review status: criteria provided, single submitter. Criteria: Variantyx Assertion Criteria 2022. Collection method: clinical testing. Allele origin: germline. Inheritance: Autosomal recessive inheritance.
Comment: This is a frameshift variant in the TRAPPC11 gene (OMIM: 614138). Pathogenic variants in this gene have been associated with autosomal recessive limb-girdle muscular dystrophy 18. This variant introduces a premature termination codon in exon 5 out of 30 and is expected to result in loss of function, which is a known disease mechanism for TRAPPC11 in this disorder (PMID: 28827486) (PVS1). This variant has a 0.0021% maximum allele frequency in non-founder control populations (PM2) and has been reported in the compound heterozygous state in 1 affected individual (PMID: 28827486). Based on the current evidence, this variant is classified as likely pathogenic for autosomal recessive limb-girdle muscular dystrophy 18.

CeGaT Center for Human Genetics Tuebingen
Classification: Pathogenic. Last evaluated: 2025-02-01. Review status: criteria provided, single submitter. Criteria: CeGaT Center For Human Genetics Tuebingen Variant Classification Criteria Version 2. Collection method: clinical testing. Allele origin: germline. Affected: yes. Observed: 1 variant allele.
Comment: TRAPPC11: PVS1, PM2, PM3:Supporting

Laboratory for Molecular Medicine, Mass General Brigham Personalized Medicine
Classification: Likely pathogenic for Limb-girdle muscular dystrophy. Last evaluated: 2024-02-27. Review status: criteria provided, single submitter. Criteria: ACMG Guidelines, 2015. Collection method: clinical testing. Allele origin: germline. Inheritance: Autosomal recessive inheritance.
Comment: The p.Phe173TyrfsX13 variant in TRAPPC11 has been reported in the compound heterozygous state 1 individual with limb-girdle muscular dystrophy and their affected sibling (Fee Year PMID: 28827486). This variant has also been reported by another clinical laboratory in ClinVar (Variation ID 1033986) and has been identified in 0.0029% (2/67998) of European chromosomes by gnomAD (v.3.1.2), consistent with a recessive carrier frequency. This variant is predicted to cause a frameshift, which alters the protein’s amino acid sequence beginning at position 173 and leads to a premature termination codon 13 amino acids downstream. This alteration is then predicted to lead to a truncated or absent protein. Biallelic loss of function of the TRAPPC11 gene is an established disease mechanism in autosomal recessive limb-girdle muscular dystrophy. In summary, although additional studies are required to fully establish its clinical significance, this variant meets criteria to be classified as likely pathogenic for autosomal recessive limb-girdle muscular dystrophy. ACMG/AMP Criteria applied: PVS1, PM2_Supporting, PM3_Supporting, PP1.

Fulgent Genetics
Classification: Likely pathogenic for Autosomal recessive limb-girdle muscular dystrophy type R18. Last evaluated: 2024-02-24. Review status: criteria provided, single submitter. Criteria: ACMG Guidelines, 2015. Collection method: clinical testing. Allele origin: germline.

Literature cited by the submitters: PubMed 28827486 (cited by 4 submitters); PubMed 23830518 (cited by Labcorp Genetics (formerly Invitae), Labcorp); PubMed 26322222 (cited by Labcorp Genetics (formerly Invitae), Labcorp).